The following is an entry in ClinVar:

ClinVar aggregate classification (germline): Pathogenic (1 of 4 stars; one submission).

Conditions:
Hereditary breast ovarian cancer syndrome. Also called: Hereditary breast and ovarian cancer syndrome (HBOC); Hereditary breast and ovarian cancer; BRCA1- and BRCA2-Associated Hereditary Breast and Ovarian Cancer; Hereditary breast and ovarian cancer syndrome; Hereditary breast and/or ovarian cancer syndrome; Breast and ovarian cancer. Identifiers: Orphanet 145, MedGen C0677776, MeSH D061325, MONDO:0003582. Disease mechanism: loss of function.

Submission:

Labcorp Genetics (formerly Invitae), Labcorp
Classification: Pathogenic for Hereditary breast ovarian cancer syndrome. Last evaluated: 2024-04-02. Review status: criteria provided, single submitter. Criteria: Invitae Variant Classification Sherloc (09022015). Collection method: clinical testing. Allele origin: germline.
Comment: This sequence change creates a premature translational stop signal (p.Ile2675Asnfs*5) in the BRCA2 gene. It is expected to result in an absent or disrupted protein product. Loss-of-function variants in BRCA2 are known to be pathogenic (PMID: 20104584). This variant is not present in population databases (gnomAD no frequency). This variant has not been reported in the literature in individuals affected with BRCA2-related conditions. For these reasons, this variant has been classified as Pathogenic.

Literature cited by the submitters: PubMed 20104584.

NM_000059.4(BRCA2):c.8024_8025del (p.Ile2675fs)

Gene: BRCA2 (BRCA2 DNA repair associated; plus strand). Cytogenetic location: 13q13.1.
Variant type: Deletion.
Coding change: c.8024_8025del on transcript NM_000059.4 (MANE Select); coding-DNA positions 8024 to 8025, 2 bases deleted (TA; older notation c.8024_8025delTA).
Protein change: p.Ile2675fs; shifts the reading frame from isoleucine 2675.
Molecular consequence: frameshift variant. On other transcripts: non-coding transcript variant (1).
Genome position (GRCh38, 1-based): chr13:32,363,226-32,363,227, TA deleted; deleting any 2 consecutive bases within chr13:32,363,225-32,363,227 gives the same sequence; the c. name uses the placement nearest the transcript's 3' end. VCF-style (leftmost placement, unchanged base first): chr13-32363224-GAT-G. GRCh37 (hg19) VCF-style: chr13-32937361-GAT-G.
Other names: c.7928_7929del, p.Ile2643fs (NM_001406719.1); c.8024_8025del, p.Ile2675fs (NM_001406720.1, NM_001432077.1); c.3092_3093del, p.Ile1031fs (NM_001406721.1); c.1607_1608del, p.Ile536fs (NM_001406722.1); short protein forms I1031fs, I2643fs, I2675fs, I536fs.
Identifiers: ClinVar variation 3648416 (VCV003648416.2).